The following is an entry in ClinVar:

NM_006361.6(HOXB13):c.452C>T (p.Thr151Ile)

Gene: HOXB13 (homeobox B13; minus strand). Cytogenetic location: 17q21.32.
Variant type: single nucleotide variant.
Coding change: c.452C>T on transcript NM_006361.6 (MANE Select); coding-DNA position 452, C replaced by T.
Protein change: p.Thr151Ile; replaces threonine 151 with isoleucine.
Molecular consequence: missense variant.
Genome position (GRCh38, 1-based): chr17:48,728,142, G>A on the plus strand (C>T on the coding strand, the complement: HOXB13 is on the minus strand). VCF-style: chr17-48728142-G-A. GRCh37 (hg19) VCF-style: chr17-46805504-G-A.
Other names: short protein forms T151I.
Identifiers: ClinVar variation 690772 (VCV000690772.3), dbSNP rs1555558604, ClinGen allele CA400107420.

ClinVar aggregate classification (germline): Uncertain significance. Review status: criteria provided, single submitter (1 of 4 stars). 2 submissions from 2 submitters: Uncertain significance (1). 1 of the submissions does not count toward it. Last evaluated 2025-09-12.

Conditions:
Prostate cancer, hereditary, 1 (HPC1). Identifiers: Orphanet 1331, MedGen C4722327, MONDO:0011098, OMIM 601518.

Submissions (2):

Labcorp Genetics (formerly Invitae), Labcorp
Classification: Uncertain significance. Last evaluated: 2025-09-12. Review status: criteria provided, single submitter. Criteria: Invitae Variant Classification Sherloc (09022015). Collection method: clinical testing. Allele origin: germline.
Comment: This sequence change replaces threonine, which is neutral and polar, with isoleucine, which is neutral and non-polar, at codon 151 of the HOXB13 protein (p.Thr151Ile). This variant is not present in population databases (gnomAD no frequency). This variant has not been reported in the literature in individuals affected with HOXB13-related conditions. ClinVar contains an entry for this variant (Variation ID: 690772). Invitae Evidence Modeling of protein sequence and biophysical properties (such as structural, functional, and spatial information, amino acid conservation, physicochemical variation, residue mobility, and thermodynamic stability) indicates that this missense variant is not expected to disrupt HOXB13 protein function with a negative predictive value of 80%. In summary, the available evidence is currently insufficient to determine the role of this variant in disease. Therefore, it has been classified as a Variant of Uncertain Significance.

Laboratory of Virology, Microbiology,  Quality and Medical Biotechnologies, Faculty of Sciences and Techniques - Mohammedia, Hassan II University of Casablanca
Classification: Uncertain significance for Prostate cancer, hereditary, 1. Review status: no assertion criteria provided. Collection method: clinical testing. Allele origin: somatic. Affected: yes. Not counted in ClinVar's aggregate classification.